The following is an entry in ClinVar:

NM_024422.6(DSC2):c.1663G>A (p.Gly555Arg)

Gene: DSC2 (desmocollin 2; minus strand). Cytogenetic location: 18q12.1.
Variant type: single nucleotide variant.
Coding change: c.1663G>A on transcript NM_024422.6 (MANE Select); coding-DNA position 1663, G replaced by A.
Protein change: p.Gly555Arg; replaces glycine 555 with arginine.
Molecular consequence: missense variant.
Genome position (GRCh38, 1-based): chr18:31,079,847, C>T on the plus strand (G>A on the coding strand, the complement: DSC2 is on the minus strand). VCF-style: chr18-31079847-C-T. GRCh37 (hg19) VCF-style: chr18-28659813-C-T.
Other names: c.1663G>A, p.Gly555Arg (NM_004949.5); c.1663G>A (NM_024422.4); short protein forms G555R.
Identifiers: ClinVar variation 808377 (VCV000808377.19), dbSNP rs1598580423, ClinGen allele CA402107677.

ClinVar aggregate classification (germline): Uncertain significance. Review status: criteria provided, multiple submitters, no conflicts (2 of 4 stars). 4 submissions from 4 submitters: Uncertain significance (4). Last evaluated 2025-10-14.

Conditions:
Arrhythmogenic right ventricular dysplasia 11. Also called: Arrhythmogenic Right Ventricular Dysplasia/Cardiomyopathy11; ARRHYTHMOGENIC RIGHT VENTRICULAR DYSPLASIA, FAMILIAL, 11; Arrhythmogenic right ventricular dysplasia 11 with mild palmoplantar keratoderma and woolly hair. Identifiers: MedGen C1864850, MONDO:0012506, OMIM 610476.
DSC2-related disorder. Also called: DSC2-related condition.
Familial isolated arrhythmogenic right ventricular dysplasia. Identifiers: Orphanet 217656, MedGen C4274968, MONDO:0016342.
Cardiomyopathy (CMYO). Also called: Cardiomyopathies. Identifiers: Orphanet 167848, MedGen C0878544, MONDO:0004994, HP:0001638. Inheritance: Various modes of inheritance.

Allele frequency attached by ClinVar (database versions not stated): gnomAD exomes 0.00001; TOPMed 0.00001; gnomAD 0.00001.
gnomAD v4.1: 5 of 1,613,712 alleles (0.00031%); highest among the groups gnomAD compares: African/African-American, 0.004%; no homozygotes.

Submissions (4):

Labcorp Genetics (formerly Invitae), Labcorp
Classification: Uncertain significance for Arrhythmogenic right ventricular dysplasia 11. Last evaluated: 2025-10-14. Review status: criteria provided, single submitter. Criteria: Invitae Variant Classification Sherloc (09022015). Collection method: clinical testing. Allele origin: germline.
Comment: This sequence change replaces glycine, which is neutral and non-polar, with arginine, which is basic and polar, at codon 555 of the DSC2 protein (p.Gly555Arg). This variant also falls at the last nucleotide of exon 11, which is part of the consensus splice site for this exon. This variant is not present in population databases (gnomAD no frequency). This variant has not been reported in the literature in individuals affected with DSC2-related conditions. ClinVar contains an entry for this variant (Variation ID: 808377). An algorithm developed to predict the effect of missense changes on protein structure and function (PolyPhen-2) suggests that this variant is likely to be tolerated. Variants that disrupt the consensus splice site are a relatively common cause of aberrant splicing (PMID: 17576681, 9536098). In summary, the available evidence is currently insufficient to determine the role of this variant in disease. Therefore, it has been classified as a Variant of Uncertain Significance.

All of Us Research Program, National Institutes of Health
Classification: Uncertain significance for Familial isolated arrhythmogenic right ventricular dysplasia. Last evaluated: 2024-05-30. Review status: criteria provided, single submitter. Criteria: ACMG Guidelines, 2015. Collection method: clinical testing. Allele origin: germline. Inheritance: Autosomal dominant inheritance. Observed: 1 variant allele, 1 heterozygote.
Comment: This missense variant replaces glycine with arginine at codon 555 of the DSC2 protein. Computational prediction tool suggests that this variant may not impact protein structure and function (internally defined REVEL score threshold <=0.5, PMID: 27666373). Splice site prediction tools suggest that this variant may impact RNA splicing. To our knowledge, functional studies have not been performed for this variant. This variant has not been reported in individuals affected with cardiovascular disorders in the literature. This variant has not been identified in the general population by the Genome Aggregation Database (gnomAD). The available evidence is insufficient to determine the role of this variant in disease conclusively. Therefore, this variant is classified as a Variant of Uncertain Significance.

This study involves interpretation of variants in research participants for the purpose of population health screening. Participant phenotype was not available at the time of variant classification. Additional details can be found in publication PMID: 35346344, PMCID: PMC8962531

Color Diagnostics, LLC DBA Color Health
Classification: Uncertain significance for Cardiomyopathy. Last evaluated: 2024-05-13. Review status: criteria provided, single submitter. Criteria: ACMG Guidelines, 2015. Collection method: clinical testing. Allele origin: germline.
Comment: This missense variant replaces glycine with arginine at codon 555 of the DSC2 protein. Computational prediction suggests that this variant may not impact protein structure and function (internally defined REVEL score threshold <= 0.5, PMID: 27666373). Splice site prediction tools suggest that this variant may impact RNA splicing. To our knowledge, functional studies have not been reported for this variant. This variant has not been reported in individuals affected with DSC2-related disorders in the literature. This variant has not been identified in the general population by the Genome Aggregation Database (gnomAD). The available evidence is insufficient to determine the role of this variant in disease conclusively. Therefore, this variant is classified as a Variant of Uncertain Significance.

PreventionGenetics, part of Exact Sciences
Classification: Uncertain significance for DSC2-related condition. Last evaluated: 2023-02-16. Review status: criteria provided, single submitter. Criteria: ACMG Guidelines, 2015. Collection method: clinical testing. Allele origin: germline.
Comment: The DSC2 c.1663G>A variant is predicted to result in the amino acid substitution p.Gly555Arg. To our knowledge, this variant has not been reported in the literature or in a large population database, indicating this variant is rare. At this time, the clinical significance of this variant is uncertain due to the absence of conclusive functional and genetic evidence.

Literature cited by the submitters: PubMed 17576681 (cited by Labcorp Genetics (formerly Invitae), Labcorp); PubMed 9536098 (cited by Labcorp Genetics (formerly Invitae), Labcorp).